The following is an entry in ClinVar:

NM_014365.3(HSPB8):c.430C>G (p.Gln144Glu)

Gene: HSPB8 (heat shock protein family B (small) member 8; plus strand). Cytogenetic location: 12q24.23.
Variant type: single nucleotide variant.
Coding change: c.430C>G on transcript NM_014365.3 (MANE Select); coding-DNA position 430, C replaced by G.
Protein change: p.Gln144Glu; replaces glutamine 144 with glutamic acid.
Molecular consequence: missense variant.
Genome position (GRCh38, 1-based): chr12:119,187,087, C>G. VCF-style: chr12-119187087-C-G. GRCh37 (hg19) VCF-style: chr12-119624892-C-G.
Other names: short protein forms Q144E.
Identifiers: ClinVar variation 1739613 (VCV001739613.5), dbSNP rs2500043537, ClinGen allele CA386529613.

ClinVar aggregate classification (germline): Uncertain significance. Review status: criteria provided, multiple submitters, no conflicts (2 of 4 stars). 2 submissions from 2 submitters: Uncertain significance (2). Last evaluated 2023-08-08.

Conditions:
Inborn genetic diseases. Identifiers: MedGen C0950123, MeSH D030342.
Charcot-Marie-Tooth disease axonal type 2L. Also called: Charcot-Marie-Tooth Neuropathy Type 2L; CHARCOT-MARIE-TOOTH DISEASE, AXONAL, AUTOSOMAL DOMINANT, TYPE 2L; CHARCOT-MARIE-TOOTH NEUROPATHY, AXONAL, TYPE 2L. Identifiers: Orphanet 99945, MedGen C1837552, MONDO:0012096, OMIM 608673.

Submissions (2):

Labcorp Genetics (formerly Invitae), Labcorp
Classification: Uncertain significance for Charcot-Marie-Tooth disease axonal type 2L. Last evaluated: 2023-08-08. Review status: criteria provided, single submitter. Criteria: Invitae Variant Classification Sherloc (09022015). Collection method: clinical testing. Allele origin: germline.
Comment: This variant has not been reported in the literature in individuals affected with HSPB8-related conditions. This sequence change replaces glutamine, which is neutral and polar, with glutamic acid, which is acidic and polar, at codon 144 of the HSPB8 protein (p.Gln144Glu). This variant is not present in population databases (gnomAD no frequency). ClinVar contains an entry for this variant (Variation ID: 1739613). An algorithm developed to predict the effect of missense changes on protein structure and function (PolyPhen-2) suggests that this variant is likely to be disruptive. In summary, the available evidence is currently insufficient to determine the role of this variant in disease. Therefore, it has been classified as a Variant of Uncertain Significance.

Ambry Genetics
Classification: Uncertain significance for Inborn genetic diseases. Last evaluated: 2019-12-06. Review status: criteria provided, single submitter. Criteria: Ambry Variant Classification Scheme 2023. Collection method: clinical testing. Allele origin: germline.
Comment: The p.Q144E variant (also known as c.430C>G), located in coding exon 2 of the HSPB8 gene, results from a C to G substitution at nucleotide position 430. The glutamine at codon 144 is replaced by glutamic acid, an amino acid with highly similar properties. This amino acid position is highly conserved in available vertebrate species. In addition, the in silico prediction for this alteration is inconclusive. Since supporting evidence is limited at this time, the clinical significance of this alteration remains unclear.